The following is an entry in ClinVar:

ClinVar aggregate classification (germline): Benign. Review status: criteria provided, multiple submitters, no conflicts (2 of 4 stars). 2 submissions from 2 submitters: Benign (2). Last evaluated 2018-01-13.

Conditions:
Parietal foramina 2 (PFM2). Identifiers: Orphanet 60015, MedGen C1865044, MONDO:0012309, OMIM 609597.

Allele frequency attached by ClinVar (database versions not stated): gnomAD 0.90224 and 0.90297; 1000 Genomes Project 0.90735; gnomAD exomes 1.00000; TOPMed 0.90788; 1000 Genomes Project 30x 0.91068.
gnomAD v4.1: 137,512 of 152,304 alleles (90%); highest among the groups gnomAD compares: East Asian, 99%; 62,154 homozygotes.

Submissions (2):

Illumina Laboratory Services, Illumina
Classification: Benign for Parietal foramina 2. Last evaluated: 2018-01-13. Review status: criteria provided, single submitter. Criteria: ICSL Variant Classification Criteria 13 December 2019. Collection method: clinical testing. Allele origin: germline.
Comment: This variant was observed in the ICSL laboratory as part of a predisposition screen in an ostensibly healthy population. It had not been previously curated by ICSL or reported in the Human Gene Mutation Database (HGMD: prior to June 1st, 2018), and was therefore a candidate for classification through an automated scoring system. Utilizing variant allele frequency, disease prevalence and penetrance estimates, and inheritance mode, an automated score was calculated to assess if this variant is too frequent to cause the disease. Based on the score and internal cut-off values, a variant classified as benign is not then subjected to further curation. The score for this variant resulted in a classification of benign for this disease.

Breakthrough Genomics
Classification: Benign. Review status: criteria provided, single submitter. Criteria: ACMG Guidelines, 2015. Collection method: not provided. Allele origin: germline. Inheritance: Autosomal recessive inheritance. Affected: yes.

NM_021926.4(ALX4):c.*3107A>G

Gene: ALX4 (ALX homeobox 4; minus strand). Cytogenetic location: 11p11.2.
Variant type: single nucleotide variant.
Coding change: c.*3107A>G on transcript NM_021926.4 (MANE Select); 3107 bases downstream of the stop codon, A replaced by G.
Molecular consequence: 3 prime UTR variant.
Genome position (GRCh38, 1-based): chr11:44,261,747, T>C on the plus strand (A>G on the coding strand, the complement: ALX4 is on the minus strand). VCF-style: chr11-44261747-T-C. GRCh37 (hg19) VCF-style: chr11-44283297-T-C.
Other names: c.*3107A>G (LRG_1256t1).
Identifiers: ClinVar variation 304623 (VCV000304623.6), dbSNP rs4755239, ClinGen allele CA10638512.
Genomic context (GRCh38, chr11:44,261,747, plus strand): 5'-GGGACTGGAGGCTGTCAGTGTGGGGAGGCTGCCCATCCATCTGCCGGCTACCCACGACTT[T>C]ATTTTTAAGTTGCCATCTCTGTTGAGATCTTAGGCAGGTATCCAAAGGAAATCCTCACCT-3'